The following is an entry in ClinVar:

NM_022089.4(ATP13A2):c.3193G>A (p.Val1065Met)

Gene: ATP13A2 (ATPase cation transporting 13A2; minus strand). Cytogenetic location: 1p36.13.
Variant type: single nucleotide variant.
Coding change: c.3193G>A on transcript NM_022089.4 (MANE Select); coding-DNA position 3193, G replaced by A.
Protein change: p.Val1065Met; replaces valine 1065 with methionine.
Molecular consequence: missense variant.
Genome position (GRCh38, 1-based): chr1:16,986,847, C>T on the plus strand (G>A on the coding strand, the complement: ATP13A2 is on the minus strand). VCF-style: chr1-16986847-C-T. GRCh37 (hg19) VCF-style: chr1-17313342-C-T.
Other names: c.3178G>A, p.Val1060Met (NM_001141973.3); c.3061G>A, p.Val1021Met (NM_001141974.3); short protein forms V1065M, V1021M, V1060M.
Identifiers: ClinVar variation 293771 (VCV000293771.13), dbSNP rs377431904, ClinGen allele CA636581.
Genomic context (GRCh38, chr1:16,986,847, plus strand): 5'-CCGCGCCCGCAGTGGCACCATTGGTGTAGAGCGGCCGGCGGAAGGGCGCCCCCTTGGACA[C>T]GGCTGCAGCCAGGATGAGGTACTGGAAGCTGGACAGAGAGAAGACCACGGTGTTCTCGTA-3'
Protein context (NP_071372.1, residues 1055-1075): SFQYLILAAA[Val1065Met]SKGAPFRRPL

ClinVar aggregate classification (germline): Conflicting classifications of pathogenicity. Review status: criteria provided, conflicting classifications (1 of 4 stars). 5 submissions from 5 submitters: Uncertain significance (3); Likely benign (2). Last evaluated 2024-10-23.

Conditions:
Kufor-Rakeb syndrome (KRS). Also called: PARKINSON DISEASE 9, AUTOSOMAL RECESSIVE, JUVENILE-ONSET. Identifiers: Orphanet 306674, Orphanet 314632, MedGen C1847640, MONDO:0011706, OMIM 606693.
Autosomal recessive spastic paraplegia type 78. Identifiers: Orphanet 513436, MedGen C5567893, MONDO:0014975, OMIM 617225.
Inborn genetic diseases. Identifiers: MedGen C0950123, MeSH D030342.

Allele frequency attached by ClinVar (database versions not stated): ExAC 0.00002; TOPMed 0.00004; gnomAD 0.00007; ESP Exome Variant Server 0.00008.
gnomAD v4.1: 111 of 1,613,932 alleles (0.0069%); highest among the groups gnomAD compares: Admixed American, 0.012%; no homozygotes.

Submissions (5):

Blueprint Genetics
Classification: Likely benign. Last evaluated: 2024-10-23. Review status: criteria provided, single submitter. Criteria: ACMG Guidelines, 2015. Collection method: clinical testing. Allele origin: germline.

Labcorp Genetics (formerly Invitae), Labcorp
Classification: Uncertain significance for Kufor-Rakeb syndrome; Autosomal recessive spastic paraplegia type 78. Last evaluated: 2023-03-05. Review status: criteria provided, single submitter. Criteria: Invitae Variant Classification Sherloc (09022015). Collection method: clinical testing. Allele origin: germline.
Comment: In summary, the available evidence is currently insufficient to determine the role of this variant in disease. Therefore, it has been classified as a Variant of Uncertain Significance. Advanced modeling of protein sequence and biophysical properties (such as structural, functional, and spatial information, amino acid conservation, physicochemical variation, residue mobility, and thermodynamic stability) performed at Invitae indicates that this missense variant is not expected to disrupt ATP13A2 protein function. ClinVar contains an entry for this variant (Variation ID: 293771). This variant has not been reported in the literature in individuals affected with ATP13A2-related conditions. This variant is present in population databases (rs377431904, gnomAD 0.003%). This sequence change replaces valine, which is neutral and non-polar, with methionine, which is neutral and non-polar, at codon 1065 of the ATP13A2 protein (p.Val1065Met).

Fulgent Genetics
Classification: Uncertain significance for Kufor-Rakeb syndrome; Autosomal recessive spastic paraplegia type 78. Last evaluated: 2022-02-15. Review status: criteria provided, single submitter. Criteria: ACMG Guidelines, 2015. Collection method: clinical testing. Allele origin: unknown.

Ambry Genetics
Classification: Likely benign for Inborn genetic diseases. Last evaluated: 2019-08-22. Review status: criteria provided, single submitter. Criteria: Ambry Variant Classification Scheme 2023. Collection method: clinical testing. Allele origin: germline.

Illumina Laboratory Services, Illumina
Classification: Uncertain significance for Kufor-Rakeb syndrome. Last evaluated: 2018-01-13. Review status: criteria provided, single submitter. Criteria: ICSL Variant Classification Criteria 13 December 2019. Collection method: clinical testing. Allele origin: germline.